The following is an entry in ClinVar:

ClinVar aggregate classification (germline): Conflicting classifications of pathogenicity. Review status: criteria provided, conflicting classifications (1 of 4 stars). 4 submissions from 4 submitters: Uncertain significance (1); Likely benign (3). Last evaluated 2026-04-21.

Conditions:
Familial thoracic aortic aneurysm and aortic dissection (TAAD). Also called: Thoracic aortic aneurysms and dissections. Identifiers: Orphanet 91387, MedGen C4707243, MONDO:0019625.
Ehlers-Danlos syndrome, classic type, 1 (EDSCL1). Also called: EHLERS-DANLOS SYNDROME, GRAVIS TYPE; EHLERS-DANLOS SYNDROME, SEVERE CLASSIC TYPE; Ehlers-Danlos syndrome, type 1; Ehlers-Danlos Syndrome, Classic Type, COL5A1-Related; EDS I. Identifiers: MedGen C0268335, MONDO:0019567, OMIM 130000.

Allele frequency attached by ClinVar (database versions not stated): TOPMed 0.00004; gnomAD 0.00007 and 0.00004; 1000 Genomes Project 0.00060; 1000 Genomes Project 30x 0.00062; ESP Exome Variant Server 0.00008; gnomAD exomes 0.00005 and 0.00010; ExAC 0.00011.
gnomAD v4.1: 83 of 1,613,830 alleles (0.0051%); highest among the groups gnomAD compares: South Asian, 0.029%; 1 homozygote.

Submissions (4):

Women's Health and Genetics/Laboratory Corporation of America, LabCorp
Classification: Likely benign. Last evaluated: 2026-04-21. Review status: criteria provided, single submitter. Criteria: LabCorp Variant Classification Summary - May 2015. Collection method: clinical testing. Allele origin: germline.
Comment: Variant summary: COL5A2 c.3613G>A (p.Val1205Ile) results in a conservative amino acid change in the encoded protein sequence. Algorithms developed to predict the effect of missense changes on protein structure and function all suggest that this variant is likely to be tolerated. The variant allele was found at a frequency of 9.9e-05 in 251450 control chromosomes, predominantly at a frequency of 0.00049 within the South Asian subpopulation in the gnomAD database, including 1 homozygotes. The observed variant frequency within South Asian control individuals in the gnomAD database exceeds the estimated maximal expected allele frequency for disease-causing variants in COL5A2. To our knowledge, no occurrence of c.3613G>A in individuals affected with COL5A2-related conditions and no experimental evidence demonstrating its impact on protein function have been reported. ClinVar contains an entry for this variant (Variation ID: 1125151). Based on the evidence outlined above, the variant was classified as likely benign.

Labcorp Genetics (formerly Invitae), Labcorp
Classification: Likely benign for Ehlers-Danlos syndrome, classic type, 1. Last evaluated: 2025-12-20. Review status: criteria provided, single submitter. Criteria: Invitae Variant Classification Sherloc (09022015). Collection method: clinical testing. Allele origin: germline.

Ambry Genetics
Classification: Likely benign for Familial thoracic aortic aneurysm and aortic dissection. Last evaluated: 2025-03-20. Review status: criteria provided, single submitter. Criteria: Ambry Variant Classification Scheme 2023. Collection method: clinical testing. Allele origin: germline.

GeneDx
Classification: Uncertain significance. Last evaluated: 2023-06-08. Review status: criteria provided, single submitter. Criteria: GeneDx Variant Classification Process June 2021. Collection method: clinical testing. Allele origin: germline. Affected: yes.
Comment: Has not been previously published as pathogenic or benign to our knowledge; In silico analysis supports that this missense variant does not alter protein structure/function

NM_000393.5(COL5A2):c.3613G>A (p.Val1205Ile)

Gene: COL5A2 (collagen type V alpha 2 chain; minus strand). Cytogenetic location: 2q32.2.
Variant type: single nucleotide variant.
Coding change: c.3613G>A on transcript NM_000393.5 (MANE Select); coding-DNA position 3613, G replaced by A.
Protein change: p.Val1205Ile; replaces valine 1205 with isoleucine.
Molecular consequence: missense variant.
Genome position (GRCh38, 1-based): chr2:189,041,606, C>T on the plus strand (G>A on the coding strand, the complement: COL5A2 is on the minus strand). VCF-style: chr2-189041606-C-T. GRCh37 (hg19) VCF-style: chr2-189906332-C-T.
Other names: c.3613G>A (NM_000393.3); short protein forms V1205I.
Identifiers: ClinVar variation 1125151 (VCV001125151.13), dbSNP rs377660244, ClinGen allele CA2021962.
Genomic context (GRCh38, chr2:189,041,606, plus strand): 5'-ATAAATAGCATTTCTTGCATGTAAACCTTTGTGACTTTACCTCAGGTCCTGCTTCTCCTA[C>T]ACTGCCTCGTACACCTGGAGGTCCAATTGGCCCAAGTGGCCCAGGGTTTCCTTCTTTACC-3'
Protein context (NP_000384.2, residues 1195-1215): PIGPPGVRGS[Val1205Ile]GEAGPEGPPG